The following is an entry in ClinVar:

ClinVar aggregate classification (germline): Likely pathogenic. Review status: reviewed by expert panel (3 of 4 stars). 4 submissions from 4 submitters: Likely pathogenic (1). 3 of the submissions do not count toward it. Last evaluated 2025-08-01.

Conditions:
Congenital multicore myopathy with external ophthalmoplegia (CMYO1B). Also called: Congenital myopathy 1B, autosomal recessive; Minicore myopathy; Minicore myopathy with external ophthalmoplegia; MULTICORE MYOPATHY; MULTIMINICORE DISEASE WITH EXTERNAL OPHTHALMOPLEGIA. Identifiers: Orphanet 598, Orphanet 98905, MedGen C1850674, MONDO:0009712, OMIM 255320, HP:0003789.
Malignant hyperthermia, susceptibility to, 1 (MHS1). Also called: RYR1-Related Malignant Hyperthermia Susceptibility; Malignant hyperthermia suceptibility 1; Anesthesia related hyperthermia; Malignant hyperpyrexia; Fulminating hyperpyrexia; Pharmacogenic myopathy. Identifiers: Orphanet 423, MedGen C2930980, MONDO:0007783, OMIM 145600.

gnomAD v4.1: 2 of 1,614,056 alleles (0.00012%); highest among the groups gnomAD compares: Non-Finnish European, 0.000085%; no homozygotes.

Submissions (4):

ClinGen Malignant Hyperthermia Susceptibility Variant Curation Expert Panel, ClinGen
Classification: Likely pathogenic for Malignant hyperthermia, susceptibility to, 1. Last evaluated: 2025-08-01. Review status: reviewed by expert panel. Criteria: ClinGen MHS ACMG Specifications V2. Collection method: curation. Allele origin: germline. Inheritance: Autosomal dominant inheritance.
Comment: This pathogenicity assessment is relevant only for malignant hyperthermia susceptibility (MHS) inherited in an autosomal dominant pattern. Variants in RYR1 can also cause other myopathies inherited in an autosomal dominant pattern or in an autosomal recessive pattern. Some of these disorders may predispose individuals to malignant hyperthermia. RYR1 variants may also contribute to a malignant hyperthermia reaction in combination with other genetic and non-genetic factors and the clinician needs to consider such factors in making management decisions. This sequence variant predicts a substitution of arginine with leucine at codon 401 of the RYR1 protein, p.Arg401Leu. This variant was not present in a large population database (gnomAD) at the time this variant was interpreted. This variant has been reported in two unrelated individuals who have a personal or family history of a malignant hyperthermia reaction, both of these individuals had a positive in vitro contracture test (IVCT) or caffeine halothane contracture test (CHCT) result (if the proband was unavailable for testing, a positive diagnostic test result in a mutation-positive relative was counted), PS4_Moderate (PMID:30236257). This variant segregates with MHS in four meiosis, PP1 (PMID:30236257). No functional studies were identified for this variant. Another variant has been assessed as pathogenic occurs at this codon, p.(Arg401His), PM5. This variant resides in a region of RYR1 considered to be a hotspot for pathogenic variants that contribute to MHS, use PM1_Supporting to avoid overweighting with PM5 (PMID: 21118704). A REVEL score >0.85 (0.965) supports a pathogenic status for this variant, PP3_Moderate. This variant has been classified as Likely Pathogenic. Criteria implemented: PS4_Moderate, PM1_Supporting, PM5, PP1, PP3_Moderate.

Victorian Clinical Genetics Services, Murdoch Childrens Research Institute
Classification: Likely pathogenic for Malignant hyperthermia, susceptibility to, 1. Last evaluated: 2024-10-22. Review status: criteria provided, single submitter. Criteria: ACMG Guidelines, 2015. Collection method: clinical testing. Allele origin: germline. Not counted in ClinVar's aggregate classification.
Comment: This variant is classified as Likely pathogenic. Evidence in support of pathogenic classification: Variant is present in gnomAD <0.01 (v4: 2 heterozygote(s), 0 homozygote(s)); This variant has strong previous evidence of pathogenicity in unrelated individuals. This variant has been classified as likely pathogenic by the ClinGen Malignant Hyperthermia Susceptibility Variant Curation Expert Panel. This variant has also been classified as pathogenic or likely pathogenic by clinical laboratories in ClinVar, and has been observed in at least three unrelated individuals with malignant hyperthermia (PMIDs: 30236257, 19890226); Other missense variant(s) comparable to the one identified in this case have strong previous evidence for pathogenicity. p.(Arg401His) and p.(Arg401Cys) have both been classified as pathogenic by the ClinGen Malignant Hyperthermia Susceptibility Variant Curation Expert Panel. While p.(Arg401Gly) and p.(Arg401Ser) have both been classified as VUS by the ClinGen Malignant Hyperthermia Susceptibility Variant Curation Expert Panel, but they have been observed in one individual with a personal or family history of malignant hyperthermia; Variant is located in a hotspot region or cluster of PATHOGENIC variants associated with malignant hyperthermia (PMID: 21118704) - Missense variant consistently predicted to be damaging by in silico tool or highly conserved with a major amino acid change. Additional information: Variant is predicted to result in a missense amino acid change from arginine to leucine; This gene is associated with both recessive and dominant disease (OMIM). - Multiple alternative amino acid changes at the same position have been observed in gnomAD (v4) (highest allele count: 12 heterozygote(s), 0 homozygote(s)); No published functional evidence has been identified for this variant; Loss of function and gain of function are known mechanisms of disease in this gene and are associated with RYR1-related disorders (OMIM). Gain of function mechanism has been described in the context of malignant hyperthermia susceptibility 1 (MIM#145600) and autosomal dominant congenital myopathy 1A with susceptibility to malignant hyperthermia (MIM#117000). Autosomal recessive congenital myopathy 1B (MIM#255320) is associated with a loss of function mechanism (PMIDs: 27855725, 23919265). The mechanism of King-Denborough syndrome (MIM#619542) is unclear.

Institute of Human Genetics Munich, TUM University Hospital
Classification: Likely pathogenic for Congenital multicore myopathy with external ophthalmoplegia. Last evaluated: 2023-08-17. Review status: criteria provided, single submitter. Criteria: Classification criteria August 2017. Collection method: clinical testing. Allele origin: germline. Inheritance: Autosomal recessive inheritance. Affected: yes. Observed: 1 variant allele. Not counted in ClinVar's aggregate classification.

Institute of Human Genetics, University of Leipzig Medical Center
Classification: Pathogenic for Malignant hyperthermia, susceptibility to, 1. Last evaluated: 2019-01-01. Review status: criteria provided, single submitter. Criteria: ACMG Guidelines, 2015. Collection method: clinical testing. Allele origin: unknown. Affected: yes. Not counted in ClinVar's aggregate classification.
Comment: This variant was identified as compound heterozygous.

Literature cited by the submitters: PubMed 30236257 (cited by Victorian Clinical Genetics Services, Murdoch Childrens Research Institute); PubMed 27855725 (cited by Victorian Clinical Genetics Services, Murdoch Childrens Research Institute); PubMed 23919265 (cited by Victorian Clinical Genetics Services, Murdoch Childrens Research Institute); PubMed 21118704 (cited by Victorian Clinical Genetics Services, Murdoch Childrens Research Institute); PubMed 19890226 (cited by Victorian Clinical Genetics Services, Murdoch Childrens Research Institute).

NM_000540.3(RYR1):c.1202G>T (p.Arg401Leu)

Gene: RYR1 (ryanodine receptor 1; plus strand). Cytogenetic location: 19q13.2.
Variant type: single nucleotide variant.
Coding change: c.1202G>T on transcript NM_000540.3 (MANE Select); coding-DNA position 1202, G replaced by T.
Protein change: p.Arg401Leu; replaces arginine 401 with leucine.
Molecular consequence: missense variant.
Genome position (GRCh38, 1-based): chr19:38,451,843, G>T. VCF-style: chr19-38451843-G-T. GRCh37 (hg19) VCF-style: chr19-38942483-G-T.
Other names: c.1202G>T, p.Arg401Leu (NM_001042723.2); short protein forms R401L.
Identifiers: ClinVar variation 983140 (VCV000983140.9), dbSNP rs193922766, ClinGen allele CA405683851.